The following is an entry in ClinVar:

ClinVar aggregate classification (germline): Uncertain significance (1 of 4 stars; one submission).

gnomAD v4.1: 1 of 1,613,162 alleles (0.000062%); highest among the groups gnomAD compares: Non-Finnish European, 0.000085%; no homozygotes.

Submission:

Athena Diagnostics
Classification: Uncertain significance. Last evaluated: 2025-08-08. Review status: criteria provided, single submitter. Criteria: Athena Diagnostics Criteria. Collection method: clinical testing. Allele origin: unknown.
Comment: Available data are insufficient to determine the clinical significance of the variant at this time. The frequency of this variant in the general population is uninformative in assessment of its pathogenicity. Polyphen and MutationTaster predict this amino acid change may be benign.

NM_001267550.2(TTN):c.21506A>T (p.Asn7169Ile)

Gene: TTN (titin; minus strand). Cytogenetic location: 2q31.2.
Variant type: single nucleotide variant.
Coding change: c.21506A>T on transcript NM_001267550.2 (MANE Select); coding-DNA position 21506, A replaced by T.
Protein change: p.Asn7169Ile; replaces asparagine 7169 with isoleucine.
Molecular consequence: missense variant. On other transcripts: intron variant (3).
Genome position (GRCh38, 1-based): chr2:178,723,594, T>A on the plus strand (A>T on the coding strand, the complement: TTN is on the minus strand). VCF-style: chr2-178723594-T-A. GRCh37 (hg19) VCF-style: chr2-179588321-T-A.
Other names: c.20555A>T, p.Asn6852Ile (NM_001256850.1); c.17774A>T, p.Asn5925Ile (NM_133378.4); c.13282+14488A>T (NM_003319.4); c.13858+14488A>T (NM_133437.4); c.13657+14488A>T (NM_133432.3); short protein forms N5925I, N6852I, N7169I.
Identifiers: ClinVar variation 4682283 (VCV004682283.1).